The following is an entry in ClinVar:

NM_000051.4(ATM):c.2013A>T (p.Ile671=)

Gene: ATM (ATM serine/threonine kinase; plus strand). Cytogenetic location: 11q22.3.
Variant type: single nucleotide variant.
Coding change: c.2013A>T on transcript NM_000051.4 (MANE Select); coding-DNA position 2013, A replaced by T.
Protein change: p.Ile671=; no amino-acid change (isoleucine 671 retained).
Molecular consequence: synonymous variant.
Genome position (GRCh38, 1-based): chr11:108,253,928, A>T. VCF-style: chr11-108253928-A-T. GRCh37 (hg19) VCF-style: chr11-108124655-A-T.
Other names: c.2013A>T, p.Ile671= (NM_001351834.2).
Identifiers: ClinVar variation 490450 (VCV000490450.17), dbSNP rs1371341017, ClinGen allele CA476672410.

ClinVar aggregate classification (germline): Benign/Likely benign. Review status: criteria provided, multiple submitters, no conflicts (2 of 4 stars). 5 submissions from 5 submitters: Benign (1); Likely benign (4). Last evaluated 2026-01-28.

Conditions:
Hereditary cancer-predisposing syndrome. Also called: Tumor predisposition; Neoplastic Syndromes, Hereditary; Hereditary Cancer Syndrome; Hereditary neoplastic syndrome. Identifiers: Orphanet 140162, MedGen C0027672, MeSH D009386, MONDO:0015356.
Familial cancer of breast. Also called: BREAST CANCER, FAMILIAL; hereditary breast carcinoma; Hereditary breast cancer. Identifiers: Orphanet 227535, MedGen C0346153, MONDO:0016419, OMIM 114480. Disease mechanism: loss of function.
Ataxia-telangiectasia syndrome (AT). Also called: Ataxia-telangiectasia; Ataxia-telangiectasia, complementation group D; AT, COMPLEMENTATION GROUP C; LOUIS-BAR SYNDROME; Cerebello-oculocutaneous telangiectasia; Immunodeficiency with ataxia telangiectasia. Identifiers: Orphanet 100, MedGen C0004135, MONDO:0008840, OMIM 208900.

Allele frequency attached by ClinVar (database versions not stated): TOPMed 0.00001; gnomAD 0.00003.

Submissions (5):

Labcorp Genetics (formerly Invitae), Labcorp
Classification: Likely benign for Ataxia-telangiectasia syndrome. Last evaluated: 2026-01-28. Review status: criteria provided, single submitter. Criteria: Invitae Variant Classification Sherloc (09022015). Collection method: clinical testing. Allele origin: germline.

Ambry Genetics
Classification: Likely benign for Hereditary cancer-predisposing syndrome. Last evaluated: 2025-09-04. Review status: criteria provided, single submitter. Criteria: Ambry Variant Classification Scheme 2023. Collection method: clinical testing. Allele origin: germline.

Center for Genomic Medicine, Rigshospitalet, Copenhagen University Hospital
Classification: Likely benign. Last evaluated: 2025-03-04. Review status: criteria provided, single submitter. Criteria: ACMG Guidelines, 2015. Collection method: clinical testing. Allele origin: germline.

Myriad Genetics, Inc.
Classification: Benign for Familial cancer of breast. Last evaluated: 2024-05-06. Review status: criteria provided, single submitter. Criteria: Myriad Autosomal Dominant, Autosomal Recessive and X-Linked Classification Criteria (2023). Collection method: clinical testing. Allele origin: unknown.
Comment: This variant is considered benign. This variant is a silent/synonymous amino acid change and it is not expected to impact splicing.

Color Diagnostics, LLC DBA Color Health
Classification: Likely benign for Hereditary cancer-predisposing syndrome. Last evaluated: 2017-09-11. Review status: criteria provided, single submitter. Criteria: ACMG Guidelines, 2015. Collection method: clinical testing. Allele origin: germline.